The following is an entry in ClinVar:

ClinVar aggregate classification (germline): Likely pathogenic (1 of 4 stars; one submission).

Conditions:
Senior-Loken syndrome 7 (SLSN7). Identifiers: Orphanet 3156, MedGen C3150877, MONDO:0013326, OMIM 613615.

Submission:

UAEU Genomics Laboratory, United Arab Emirates University
Classification: Likely pathogenic for Senior-Loken syndrome 7. Last evaluated: 2024-08-15. Review status: criteria provided, single submitter. Criteria: ACMG Guidelines, 2015. Collection method: research. Allele origin: germline. Affected: yes. Observed: 1 variant allele.
Comment: PM2, PVS1

NM_006642.5(SDCCAG8):c.931_932delGA

Gene: SDCCAG8 (SHH signaling and ciliogenesis regulator SDCCAG8; plus strand). Cytogenetic location: 1q43.
Variant type: Microsatellite.
Coding change: c.931_932delGA on transcript NM_006642.5 (MANE Select); coding-DNA positions 931 to 932, 2 bases deleted (GA).
Molecular consequence: splice acceptor variant.
Genome position (GRCh38, 1-based): chr1:243,316,756-243,316,757, GA deleted; deleting any 2 consecutive bases within chr1:243,316,753-243,316,757 gives the same sequence; the c. name uses the placement nearest the transcript's 3' end. VCF-style (leftmost placement, unchanged base first): chr1-243316752-CAG-C. GRCh37 (hg19) VCF-style: chr1-243480054-CAG-C.
Identifiers: ClinVar variation 5042576 (VCV005042576.1).
Genomic context (GRCh38, chr1:243,316,752, plus strand): 5'-TGACTTATGAGGACAGGATCGTTTGATCATTTCTTGTTTTGAATGTTCTTTTTGTGCTGA[CAG>C]AGAAAGAGATGACTTGATGTCTGCACTAGTTTCCGTAAGGAGCAGCTTGGCAGATACGCA-3'